The following is an entry in ClinVar:

ClinVar aggregate classification (germline): Uncertain significance (1 of 4 stars; one submission).

Conditions:
Cardiovascular phenotype. Identifiers: MedGen CN230736.
Hereditary cancer-predisposing syndrome. Also called: Neoplastic Syndromes, Hereditary; Tumor predisposition; Hereditary neoplastic syndrome; Hereditary Cancer Syndrome. Identifiers: Orphanet 140162, MedGen C0027672, MeSH D009386, MONDO:0015356.

Submission:

Ambry Genetics
Classification: Uncertain significance for Cardiovascular phenotype; Hereditary cancer-predisposing syndrome. Last evaluated: 2026-09-06. Review status: criteria provided, single submitter. Criteria: Ambry Variant Classification Scheme 2023. Collection method: clinical testing. Allele origin: germline.
Comment: The p.L860R variant (also known as c.2579T>G), located in coding exon 21 of the NF1 gene, results from a T to G substitution at nucleotide position 2579. The leucine at codon 860 is replaced by arginine, an amino acid with dissimilar properties. This amino acid position is conserved. In addition, this alteration is predicted to be tolerated by in silico analysis. Based on the available evidence, the clinical significance of this variant remains unclear.

NM_001042492.3(NF1):c.2579T>G (p.Leu860Arg)

Gene: NF1 (neurofibromin 1; plus strand). Cytogenetic location: 17q11.2.
Variant type: single nucleotide variant.
Coding change: c.2579T>G on transcript NM_001042492.3 (MANE Select); coding-DNA position 2579, T replaced by G.
Protein change: p.Leu860Arg; replaces leucine 860 with arginine.
Molecular consequence: missense variant.
Genome position (GRCh38, 1-based): chr17:31,229,194, T>G. VCF-style: chr17-31229194-T-G. GRCh37 (hg19) VCF-style: chr17-29556212-T-G.
Other names: c.2579T>G, p.Leu860Arg (NM_000267.4); short protein forms L860R.
Identifiers: ClinVar variation 5025653 (VCV005025653.1).